The following is an entry in ClinVar:

NM_022725.4(FANCF):c.62C>G (p.Thr21Ser)

Gene: FANCF (FA complementation group F; minus strand). Cytogenetic location: 11p14.3.
Variant type: single nucleotide variant.
Coding change: c.62C>G on transcript NM_022725.4 (MANE Select); coding-DNA position 62, C replaced by G.
Protein change: p.Thr21Ser; replaces threonine 21 with serine.
Molecular consequence: missense variant.
Genome position (GRCh38, 1-based): chr11:22,625,749, G>C on the plus strand (C>G on the coding strand, the complement: FANCF is on the minus strand). VCF-style: chr11-22625749-G-C. GRCh37 (hg19) VCF-style: chr11-22647295-G-C.
Other names: short protein forms T21S.
Identifiers: ClinVar variation 840716 (VCV000840716.10), dbSNP rs765672591, ClinGen allele CA5924448.

ClinVar aggregate classification (germline): Uncertain significance. Review status: criteria provided, multiple submitters, no conflicts (2 of 4 stars). 2 submissions from 2 submitters: Uncertain significance (2). Last evaluated 2025-01-27.

Conditions:
Fanconi anemia (FA). Also called: Fanconi's anemia. Identifiers: Orphanet 84, MedGen C0015625, MeSH D005199, MONDO:0019391.
Fanconi anemia complementation group F. Also called: FANCF-Related Fanconi Anemia. Identifiers: Orphanet 84, MedGen C3469526, MONDO:0011325, OMIM 603467.

Allele frequency attached by ClinVar (database versions not stated): gnomAD exomes below 0.00001; TOPMed below 0.00001; ExAC 0.00001.
gnomAD v4.1: 2 of 1,614,190 alleles (0.00012%); highest among the groups gnomAD compares: Admixed American, 0.0017%; no homozygotes.

Submissions (2):

Labcorp Genetics (formerly Invitae), Labcorp
Classification: Uncertain significance for Fanconi anemia. Last evaluated: 2025-01-27. Review status: criteria provided, single submitter. Criteria: Invitae Variant Classification Sherloc (09022015). Collection method: clinical testing. Allele origin: germline.
Comment: This sequence change replaces threonine, which is neutral and polar, with serine, which is neutral and polar, at codon 21 of the FANCF protein (p.Thr21Ser). This variant is present in population databases (rs765672591, gnomAD 0.003%). This variant has not been reported in the literature in individuals affected with FANCF-related conditions. ClinVar contains an entry for this variant (Variation ID: 840716). Invitae Evidence Modeling of protein sequence and biophysical properties (such as structural, functional, and spatial information, amino acid conservation, physicochemical variation, residue mobility, and thermodynamic stability) indicates that this missense variant is not expected to disrupt FANCF protein function with a negative predictive value of 80%. In summary, the available evidence is currently insufficient to determine the role of this variant in disease. Therefore, it has been classified as a Variant of Uncertain Significance.

Fulgent Genetics
Classification: Uncertain significance for Fanconi anemia complementation group F. Last evaluated: 2022-04-02. Review status: criteria provided, single submitter. Criteria: ACMG Guidelines, 2015. Collection method: clinical testing. Allele origin: unknown.